The following is an entry in ClinVar:

ClinVar aggregate classification (germline): Uncertain significance (1 of 4 stars; one submission).

Conditions:
FG syndrome (FGS). Identifiers: MedGen C0220769, MONDO:0002010.

Allele frequency attached by ClinVar (database versions not stated): gnomAD exomes 0.00001.

Submission:

Labcorp Genetics (formerly Invitae), Labcorp
Classification: Uncertain significance for FG syndrome. Last evaluated: 2023-06-06. Review status: criteria provided, single submitter. Criteria: Invitae Variant Classification Sherloc (09022015). Collection method: clinical testing. Allele origin: germline.
Comment: In summary, the available evidence is currently insufficient to determine the role of this variant in disease. Therefore, it has been classified as a Variant of Uncertain Significance. Advanced modeling of protein sequence and biophysical properties (such as structural, functional, and spatial information, amino acid conservation, physicochemical variation, residue mobility, and thermodynamic stability) has been performed at Invitae for this missense variant, however the output from this modeling did not meet the statistical confidence thresholds required to predict the impact of this variant on MED12 protein function. This sequence change replaces leucine, which is neutral and non-polar, with valine, which is neutral and non-polar, at codon 1457 of the MED12 protein (p.Leu1457Val). This variant is present in population databases (no rsID available, gnomAD 0.001%). This variant has not been reported in the literature in individuals affected with MED12-related conditions.

NM_005120.3(MED12):c.4369C>G (p.Leu1457Val)

Gene: MED12 (mediator complex subunit 12; plus strand). Cytogenetic location: Xq13.1.
Variant type: single nucleotide variant.
Coding change: c.4369C>G on transcript NM_005120.3 (MANE Select); coding-DNA position 4369, C replaced by G.
Protein change: p.Leu1457Val; replaces leucine 1457 with valine.
Molecular consequence: missense variant.
Genome position (GRCh38, 1-based): chrX:71,132,492, C>G. VCF-style: chrX-71132492-C-G. GRCh37 (hg19) VCF-style: chrX-70352342-C-G.
Other names: short protein forms L1457V.
Identifiers: ClinVar variation 2694962 (VCV002694962.3), dbSNP rs1420616432, ClinGen allele CA413526764.